The following is an entry in ClinVar:

ClinVar aggregate classification (germline): Uncertain significance (1 of 4 stars; one submission).

Conditions:
Brown-Vialetto-van Laere syndrome 1. Also called: BROWN-VIALETTO-VAN LAERE SYNDROME 1, MILD; BULBAR PALSY, PROGRESSIVE, WITH SENSORINEURAL DEAFNESS; PONTOBULBAR PALSY WITH DEAFNESS. Identifiers: Orphanet 572550, Orphanet 97229, MedGen C0796274, MONDO:0024537, OMIM 211530.

gnomAD v4.1: 1 of 1,613,742 alleles (0.000062%); highest among the groups gnomAD compares: Non-Finnish European, 0.000085%; no homozygotes.

Submission:

Labcorp Genetics (formerly Invitae), Labcorp
Classification: Uncertain significance for Brown-Vialetto-van Laere syndrome 1. Last evaluated: 2019-04-15. Review status: criteria provided, single submitter. Criteria: Invitae Variant Classification Sherloc (09022015). Collection method: clinical testing. Allele origin: germline.
Comment: This sequence change replaces isoleucine with valine at codon 399 of the SLC52A3 protein (p.Ile399Val). The isoleucine residue is highly conserved and there is a small physicochemical difference between isoleucine and valine. This variant is not present in population databases (ExAC no frequency). This variant has not been reported in the literature in individuals with SLC52A3-related conditions. Algorithms developed to predict the effect of missense changes on protein structure and function (SIFT, PolyPhen-2, Align-GVGD) all suggest that this variant is likely to be tolerated, but these predictions have not been confirmed by published functional studies and their clinical significance is uncertain. In summary, the available evidence is currently insufficient to determine the role of this variant in disease. Therefore, it has been classified as a Variant of Uncertain Significance.

NM_033409.4(SLC52A3):c.1195A>G (p.Ile399Val)

Gene: SLC52A3 (solute carrier family 52 member 3; minus strand). Cytogenetic location: 20p13.
Variant type: single nucleotide variant.
Coding change: c.1195A>G on transcript NM_033409.4 (MANE Select); coding-DNA position 1195, A replaced by G.
Protein change: p.Ile399Val; replaces isoleucine 399 with valine.
Molecular consequence: missense variant.
Genome position (GRCh38, 1-based): chr20:761,703, T>C on the plus strand (A>G on the coding strand, the complement: SLC52A3 is on the minus strand). VCF-style: chr20-761703-T-C. GRCh37 (hg19) VCF-style: chr20-742347-T-C.
Other names: c.1195A>G, p.Ile399Val (NM_001370085.1, NM_001370086.1); short protein forms I399V.
Identifiers: ClinVar variation 859567 (VCV000859567.9), dbSNP rs1986490652, ClinGen allele CA407962240.